The following is an entry in ClinVar:

ClinVar aggregate classification (germline): Pathogenic (0 of 4 stars; one submission).

Conditions:
Pyruvate dehydrogenase E1-alpha deficiency (PDHAD). Also called: ATAXIA, INTERMITTENT, WITH PYRUVATE DEHYDROGENASE DEFICIENCY; ATAXIA WITH LACTIC ACIDOSIS I; ATAXIA, INTERMITTENT, WITH ABNORMAL PYRUVATE METABOLISM; Ataxia, intermittent, with pyruvate dehydrogenase, or decarboxylase, deficiency. Identifiers: Orphanet 79243, MedGen C1839413, MONDO:0010717, OMIM 312170.

Submission:

PDHA1 Study Group, University Children’s Hospital, Paracelsus Medical University
Classification: Pathogenic for Pyruvate dehydrogenase E1-alpha deficiency. Last evaluated: 2024-10-15. Review status: no assertion criteria provided. Collection method: research. Allele origin: de novo. Affected: yes. Observed: 1 variant allele.
Comment: The NM_000284.3:c.122_124del (p.Cys41_Asp42delinsTyr) change is a deletion-insertion (delins) variant in PDHA1 gene. Among them, 1 case had confirmed de novo occurrence. Last literature search: July 12, 2024. This variant is absent or extremely rare in population-based cohorts in the Genome Aggregation Database (gnomAD). Individuals harboring this variant presented with clinical features compatible with PDHA1-related PDHc deficiency. In summary, this variant meets criteria to be classified as pathogenic (P) for PDHA1-related PDHc deficiency based on the ACMG/AMP criteria applied: PS2, PM1, PM2, PM4 (last assessment October 15, 2024).

Literature cited by the submitters: DOI 10.1093/brain/awaf430.

NM_000284.4(PDHA1):c.122_124del (p.Cys41_Asp42delinsTyr)

Gene: PDHA1 (pyruvate dehydrogenase E1 subunit alpha 1; plus strand). Cytogenetic location: Xp22.12.
Variant type: Deletion.
Coding change: c.122_124del on transcript NM_000284.4 (MANE Select); coding-DNA positions 122 to 124, 3 bases deleted (GTG; older notation c.122_124delGTG).
Protein change: p.Cys41_Asp42delinsTyr.
Molecular consequence: inframe indel.
Genome position (GRCh38, 1-based): chrX:19,349,941-19,349,943, GTG deleted. VCF-style (leftmost placement, unchanged base first): chrX-19349940-TGTG-T. GRCh37 (hg19) VCF-style: chrX-19368058-TGTG-T.
Other names: c.236_238del, p.Cys79_Asp80delinsTyr (NM_001173454.2); c.122_124del, p.Cys41_Asp42delinsTyr (NM_001173455.2, NM_001173456.2).
Identifiers: ClinVar variation 4070295 (VCV004070295.1).
Genomic context (GRCh38, chrX:19,349,940, plus strand): 5'-TCAACAGTGTTTGCAATGTAGTATGTGGAGGATAATAACTACCTTATTCCATTTCAGAAA[TGTG>T]ACCTTCACCGGCTGGAAGAAGGCCCTCCTGTCACAACAGTGCTCACCAGGGAGGATGGGC-3'